The following is an entry in ClinVar:

NM_016955.4(SEPSECS):c.114+1G>T

Genes: SEPSECS (Sep (O-phosphoserine) tRNA:Sec (selenocysteine) tRNA synthase; minus strand), LOC129992330 (ATAC-STARR-seq lymphoblastoid silent region 15319; plus strand). Cytogenetic location: 4p15.2.
Variant type: single nucleotide variant.
Coding change: c.114+1G>T on transcript NM_016955.4 (MANE Select); the canonical splice donor site of the intron after coding-DNA position 114, G replaced by T.
Molecular consequence: splice donor variant.
Genome position (GRCh38, 1-based): chr4:25,160,255, C>A on the plus strand (G>T on the coding strand, the complement: SEPSECS is on the minus strand). VCF-style: chr4-25160255-C-A. GRCh37 (hg19) VCF-style: chr4-25161877-C-A.
Other names: c.114+1G>T (NM_001410714.1).
Identifiers: ClinVar variation 1465402 (VCV001465402.6), dbSNP rs1356750726, ClinGen allele CA356544462.

ClinVar aggregate classification (germline): Likely pathogenic (1 of 4 stars; one submission).

Allele frequency attached by ClinVar (database versions not stated): TOPMed below 0.00001; gnomAD 0.00001.
gnomAD v4.1: 2 of 1,554,338 alleles (0.00013%); highest among the groups gnomAD compares: Non-Finnish European, 0.00017%; no homozygotes.

Submission:

Labcorp Genetics (formerly Invitae), Labcorp
Classification: Likely pathogenic. Last evaluated: 2021-10-27. Review status: criteria provided, single submitter. Criteria: Invitae Variant Classification Sherloc (09022015). Collection method: clinical testing. Allele origin: germline.
Comment: In summary, the currently available evidence indicates that the variant is pathogenic, but additional data are needed to prove that conclusively. Therefore, this variant has been classified as Likely Pathogenic. Algorithms developed to predict the effect of sequence changes on RNA splicing suggest that this variant may disrupt the consensus splice site. This variant has not been reported in the literature in individuals affected with SEPSECS-related conditions. This variant is not present in population databases (gnomAD no frequency). This sequence change affects a donor splice site in intron 1 of the SEPSECS gene. It is expected to disrupt RNA splicing. Variants that disrupt the donor or acceptor splice site typically lead to a loss of protein function (PMID: 16199547), and loss-of-function variants in SEPSECS are known to be pathogenic (PMID: 25558065, 25590979, 26115735).

Literature cited by the submitters: PubMed 16199547; PubMed 25558065; PubMed 25590979; PubMed 26115735.